The following is an entry in ClinVar:

NM_001197104.2(KMT2A):c.3334+18A>G

Gene: KMT2A (lysine methyltransferase 2A; plus strand). Cytogenetic location: 11q23.3.
Variant type: single nucleotide variant.
Coding change: c.3334+18A>G on transcript NM_001197104.2 (MANE Select); 18 bases into the intron after coding-DNA position 3334, A replaced by G.
Molecular consequence: intron variant.
Genome position (GRCh38, 1-based): chr11:118,477,000, A>G. VCF-style: chr11-118477000-A-G. GRCh37 (hg19) VCF-style: chr11-118347715-A-G.
Other names: c.3433+18A>G (NM_001412597.1); c.3334+18A>G (NM_005933.4).
Identifiers: ClinVar variation 2980939 (VCV002980939.3), dbSNP rs1950048972, ClinGen allele CA2003521183.

ClinVar aggregate classification (germline): Uncertain significance (1 of 4 stars; one submission).

Allele frequency attached by ClinVar (database versions not stated): TOPMed below 0.00001.

Submission:

Labcorp Genetics (formerly Invitae), Labcorp
Classification: Uncertain significance. Last evaluated: 2023-03-22. Review status: criteria provided, single submitter. Criteria: Invitae Variant Classification Sherloc (09022015). Collection method: clinical testing. Allele origin: germline.
Comment: In summary, the available evidence is currently insufficient to determine the role of this variant in disease. Therefore, it has been classified as a Variant of Uncertain Significance. Algorithms developed to predict the effect of sequence changes on RNA splicing suggest that this variant may create or strengthen a splice site. This variant has not been reported in the literature in individuals affected with KMT2A-related conditions. This variant is not present in population databases (gnomAD no frequency). This sequence change falls in intron 4 of the KMT2A gene. It does not directly change the encoded amino acid sequence of the KMT2A protein.